The following is an entry in ClinVar:

NC_000007.13:g.(?_69364252)_(69900787_?)del

Gene: AUTS2 (activator of transcription and developmental regulator AUTS2; plus strand). Cytogenetic location: 7q11.22.
Variant type: Deletion.
Identifiers: ClinVar variation 3245911 (VCV003245911.1).

ClinVar aggregate classification (germline): Pathogenic (1 of 4 stars; one submission).

Submission:

Labcorp Genetics (formerly Invitae), Labcorp
Classification: Pathogenic. Last evaluated: 2023-07-13. Review status: criteria provided, single submitter. Criteria: Invitae Variant Classification Sherloc (09022015). Collection method: clinical testing. Allele origin: unknown.
Comment: This variant is a gross deletion of the genomic region encompassing exon(s) 2-5 of the AUTS2 gene. This variant would be expected to be in-frame, preserving the integrity of the reading frame. A similar copy number variant has been observed in individual(s) with AUTS2-related conditions (PMID: 23332918). The region of the AUTS2 gene that includes exon(s) 5 has been determined to be clinically significant (PMID: 27075013). Therefore, deletions that encompass that region are likely to be disease-causing. For these reasons, this variant has been classified as Pathogenic.

Literature cited by the submitters: PubMed 23332918; PubMed 27075013.